The following is an entry in ClinVar:

NM_024675.4(PALB2):c.1240C>T (p.Arg414Ter)

Gene: PALB2 (partner and localizer of BRCA2; minus strand). Cytogenetic location: 16p12.2.
Variant type: single nucleotide variant.
Coding change: c.1240C>T on transcript NM_024675.4 (MANE Select); coding-DNA position 1240, C replaced by T.
Protein change: p.Arg414Ter; replaces arginine 414 with a stop codon.
Molecular consequence: nonsense.
Genome position (GRCh38, 1-based): chr16:23,635,306, G>A on the plus strand (C>T on the coding strand, the complement: PALB2 is on the minus strand). VCF-style: chr16-23635306-G-A. GRCh37 (hg19) VCF-style: chr16-23646627-G-A.
Other names: p.R414*:CGA>TGA; short protein forms R414*.
Identifiers: ClinVar variation 128117 (VCV000128117.115), dbSNP rs180177100, ClinGen allele CA288395.
Genomic context (GRCh38, chr16:23,635,306, plus strand): 5'-CCAAATGACTCTGAATGACAGCCTCCACGGCTACTTTCCTCTGGCAATTGGACATGCTTC[G>A]TGTTGTTCTAACATAATATTCTGCAGGAAACAGAAGGCCTTCAGGCACTGTGCAAGAATG-3'

ClinVar aggregate classification (germline): Pathogenic/Likely pathogenic. Review status: criteria provided, multiple submitters, no conflicts (2 of 4 stars). 35 submissions from 35 submitters: Pathogenic (29); Likely pathogenic (1). 5 of the submissions do not count toward it. Last evaluated 2026-06-23.

Conditions:
PALB2-related cancer predisposition. Identifiers: MedGen CN377761, MONDO:0700272.
Pancreatic cancer, susceptibility to, 3. Identifiers: Orphanet 1333, MedGen C3150547, MONDO:0013236, OMIM 613348.
Breast-ovarian cancer, familial, susceptibility to, 5 (BROVCA5). Identifiers: MedGen C5830615, MONDO:0957530, OMIM 620442.
Fanconi anemia complementation group N. Also called: PALB2-Related Fanconi Anemia. Identifiers: Orphanet 84, MedGen C1835817, MONDO:0012565, OMIM 610832. Disease mechanism: loss of function.
autosomal dominant PALB2-related cancer predisposition.
Gastric cancer. Also called: Stomach cancer; Malignant tumor of stomach. Identifiers: MedGen C0024623, MeSH D013274, MONDO:0001056, OMIM 613659, HP:0012126.
Inherited breast cancer and ovarian cancer.
PALB2-related disorder. Also called: PALB2-related disorders; PALB2-related condition.
Hereditary cancer-predisposing syndrome. Also called: Hereditary neoplastic syndrome; Neoplastic Syndromes, Hereditary; Tumor predisposition; Hereditary Cancer Syndrome. Identifiers: Orphanet 140162, MedGen C0027672, MeSH D009386, MONDO:0015356.
Primary ciliary dyskinesia 20. Also called: CILIARY DYSKINESIA, PRIMARY, 20, WITH OR WITHOUT SITUS INVERSUS. Identifiers: Orphanet 244, MedGen C3540844, MONDO:0014030, OMIM 615067.
Hereditary breast ovarian cancer syndrome. Also called: BRCA1- and BRCA2-Associated Hereditary Breast and Ovarian Cancer; Hereditary breast and ovarian cancer syndrome; Hereditary breast and/or ovarian cancer syndrome; Hereditary breast and ovarian cancer; Hereditary breast and ovarian cancer syndrome (HBOC); Breast and ovarian cancer. Identifiers: Orphanet 145, MedGen C0677776, MeSH D061325, MONDO:0003582. Disease mechanism: loss of function.
Breast-ovarian cancer, familial, susceptibility to, 1 (BROVCA1). Also called: BRCA1 Hereditary Breast and Ovarian Cancer; OVARIAN CANCER, SUSCEPTIBILITY TO. Identifiers: Orphanet 145, MedGen C2676676, MONDO:0011450, OMIM 604370. Disease mechanism: loss of function.
Familial cancer of breast. Also called: hereditary breast carcinoma; BREAST CANCER, FAMILIAL; Hereditary breast cancer. Identifiers: Orphanet 227535, MedGen C0346153, MONDO:0016419, OMIM 114480. Disease mechanism: loss of function.
Malignant tumor of breast. Also called: Malignant breast neoplasm; Cancer breast. Identifiers: MedGen C0006142, MONDO:0007254. Disease mechanism: loss of function.

Allele frequency attached by ClinVar (database versions not stated): gnomAD 0.00001; gnomAD exomes 0.00001; TOPMed 0.00001.
gnomAD v4.1: 15 of 1,613,912 alleles (0.00093%); highest among the groups gnomAD compares: Admixed American, 0.0033%; no homozygotes.

Submissions 1 to 10 of 35:

PreventionGenetics, part of Exact Sciences
Classification: Pathogenic for PALB2-related condition. Last evaluated: 2026-06-23. Review status: criteria provided, single submitter. Criteria: ACMG Guidelines, 2015. Collection method: clinical testing. Allele origin: germline.
Comment: The PALB2 c.1240C>T variant is predicted to result in premature protein termination (p.Arg414*). This variant has been reported in multiple individuals with pancreatic, breast, and ovarian cancer (Slater et al. 2010. PubMed ID: 20412113; Bogdanova et al. 2010. PubMed ID: 21165770; Casadei et al. 2011. PubMed ID: 21285249; Kanchi et al. 2014. PubMed ID: 24448499). This variant is reported in 0.0029% of alleles in individuals of Latino descent in gnomAD and is interpreted as pathogenic in ClinVar (Variation ID: 128117). Nonsense variants in PALB2 are expected to be pathogenic. This variant is interpreted as pathogenic.

Institute of Human Genetics, Heidelberg University
Classification: Pathogenic for Breast-ovarian cancer, familial, susceptibility to, 5. Last evaluated: 2026-05-28. Review status: criteria provided, single submitter. Criteria: ACMG Guidelines, 2015. Collection method: clinical testing. Allele origin: paternal. Observed: 2 variant alleles.
Comment: PVS1, PS4

Dasa
Classification: Pathogenic for Breast-ovarian cancer, familial, susceptibility to, 5. Last evaluated: 2026-04-27. Review status: criteria provided, single submitter. Criteria: DASA Assertion Criteria. Collection method: clinical testing. Allele origin: germline.
Comment: NM_024675.4(PALB2):c.1240C>T (p.Arg414Ter) introduces a premature termination codon predicted to result in loss of normal protein function. Loss-of-function is an established mechanism of disease for this gene. This variant has been recurrently observed in individuals with Breast-ovarian cancer, familial, susceptibility to, 5 (PMID: 21165770; PMID: 21285249; PMID: 21618343; PMID: 22692731; PMID: 24136930). The variant is present at low frequency in population datasets. Based on the available data, this variant is classified as pathogenic.

Labcorp Genetics (formerly Invitae), Labcorp
Classification: Pathogenic for Familial cancer of breast. Last evaluated: 2026-01-26. Review status: criteria provided, single submitter. Criteria: Invitae Variant Classification Sherloc (09022015). Collection method: clinical testing. Allele origin: germline.
Comment: This sequence change creates a premature translational stop signal (p.Arg414*) in the PALB2 gene. It is expected to result in an absent or disrupted protein product. Loss-of-function variants in PALB2 are known to be pathogenic (PMID: 17200668, 17200671, 17200672, 24136930, 25099575). This variant is present in population databases (rs180177100, gnomAD 0.003%). This premature translational stop signal has been observed in individual(s) with breast or ovarian cancer (PMID: 21165770, 21285249, 21618343, 22692731, 24136930, 24448499). ClinVar contains an entry for this variant (Variation ID: 128117). For these reasons, this variant has been classified as Pathogenic.

Genetics Laboratory, Great Ormond Street Hospital NHS Foundation Trust, North Thames Genomic Laboratory Hub
Classification: Likely pathogenic for Inherited breast cancer and ovarian cancer. Last evaluated: 2025-12-29. Review status: criteria provided, single submitter. Criteria: CanVIG PALB2 Gene Specific V1.2. Collection method: clinical testing. Allele origin: germline. Affected: yes.
Comment: PVS1_very-strong, PM5_supporting

Variantyx, Inc.
Classification: Pathogenic for autosomal dominant PALB2-related cancer predisposition. Last evaluated: 2025-09-25. Review status: criteria provided, single submitter. Criteria: Variantyx Assertion Criteria 2022. Collection method: clinical testing. Allele origin: germline. Inheritance: Autosomal dominant inheritance. Affected: yes.
Comment: This is a nonsense variant in the PALB2 gene (OMIM: 610355). Pathogenic variants in this gene have been associated with autosomal dominant susceptibility to breast cancer and¬†pancreatic cancer 3. This variant introduces a premature termination codon in exon 4 out of 13and is expected to result in loss of function, which is a known disease mechanism for PALB2 in this disorder (PMID: 25099575, 28825143) (PVS1). This variant has been reported in at least 10 unrelated affected individuals (PMID: 32339256, 26720728, 26681312, 25186627, 21285249, 21165770, 20412113) (PS4_Moderate). This variant has a 0.0033% maximum allele frequency in non-founder control populations (PM2). Based on the current evidence, this variant is classified as pathogenic for autosomal dominant susceptibility to breast cancer and pancreatic cancer 3.This variant was reported by previous genetic testing.

Quest Diagnostics Nichols Institute San Juan Capistrano
Classification: Pathogenic. Last evaluated: 2025-08-31. Review status: criteria provided, single submitter. Criteria: Quest Diagnostics criteria. Collection method: clinical testing. Allele origin: unknown.
Comment: The PALB2 c.1240C>T (p.Arg414*) variant causes the premature termination of PALB2 protein synthesis. In the published literature, this variant has been reported in multiple individuals with breast/ovarian cancer (PMIDs: 35264596 (2022), 29470806 (2018), 30322717 (2018), 28528518 (2017), 26720728 (2016), 25099575 (2014), 21618343 (2011), 21285249 (2011), 21165770 (2011)), and pancreatic cancer (PMIDs: 36978154 (2023), 30067863 (2018)). The frequency of this variant in the general population (Genome Aggregation Database) is consistent with pathogenicity. Based on the available information, this variant is classified as pathogenic.

Ambry Genetics
Classification: Pathogenic for Hereditary cancer-predisposing syndrome. Last evaluated: 2025-03-07. Review status: criteria provided, single submitter. Criteria: Ambry Variant Classification Scheme 2023. Collection method: clinical testing. Allele origin: germline.
Comment: The p.R414* pathogenic mutation (also known as c.1240C>T), located in coding exon 4 of the PALB2 gene, results from a C to T substitution at nucleotide position 1240. This changes the amino acid from an arginine to a stop codon within coding exon 4. This alteration has been reported in individuals diagnosed with pancreatic, breast, and/or ovarian cancer (Slater EP et al. Clin. Genet. 2010 Nov;78:490-4; Casadei S et al. Cancer Res. 2011 Mar;71:2222-9; Bogdanova N et al. Breast Cancer Res. Treat. 2011 Apr;126:545-50; Hellebrand H et al. Hum. Mutat. 2011 Jun;32:E2176-88; Janatova M et al. Cancer Epidemiol. Biomarkers Prev. 2013 Dec;22:2323-32; Kanchi KL et al. Nat. Commun. 2014;5:3156; Antoniou AC et al. N. Engl. J. Med. 2014 Oct;371(17):1651-2; Tung N et al. Cancer. 2015 Jan;121:25-33; Pinto P et al. Breast Cancer Res.Treat. 2016 Sep;159:245-56; Brand R et al. Cancer. 2018 Sep;124(17):3520-3527). In addition to the clinical data presented in the literature, this alteration is expected to result in loss of function by premature protein truncation or nonsense-mediated mRNA decay. As such, this alteration is interpreted as a disease-causing mutation.

Center for Genomic Medicine, Rigshospitalet, Copenhagen University Hospital
Classification: Pathogenic. Last evaluated: 2025-03-04. Review status: criteria provided, single submitter. Criteria: ACMG Guidelines, 2015. Collection method: clinical testing. Allele origin: germline.

Laboratory of Genetics, Children's Clinical University Hospital Latvia
Classification: Pathogenic. Last evaluated: 2025-02-16. Review status: criteria provided, single submitter. Criteria: ACMG Guidelines, 2015. Collection method: clinical testing. Allele origin: germline. Affected: yes.